The following is an entry in ClinVar:

NM_001040108.2(MLH3):c.2047C>A (p.Leu683Ile)

Gene: MLH3 (mutL homolog 3; minus strand). Cytogenetic location: 14q24.3.
Variant type: single nucleotide variant.
Coding change: c.2047C>A on transcript NM_001040108.2 (MANE Select); coding-DNA position 2047, C replaced by A.
Protein change: p.Leu683Ile; replaces leucine 683 with isoleucine.
Molecular consequence: missense variant.
Genome position (GRCh38, 1-based): chr14:75,047,609, G>T on the plus strand (C>A on the coding strand, the complement: MLH3 is on the minus strand). VCF-style: chr14-75047609-G-T. GRCh37 (hg19) VCF-style: chr14-75514312-G-T.
Other names: c.2047C>A, p.Leu683Ile (NM_014381.3); short protein forms L683I.
Identifiers: ClinVar variation 1784988 (VCV001784988.2), dbSNP rs2139571053, ClinGen allele CA390443245.

ClinVar aggregate classification (germline): Uncertain significance (1 of 4 stars; one submission).

Submission:

Ambry Genetics
Classification: Uncertain significance. Last evaluated: 2021-12-11. Review status: criteria provided, single submitter. Criteria: Ambry Variant Classification Scheme 2023. Collection method: clinical testing. Allele origin: germline.
Comment: The p.L683I variant (also known as c.2047C>A), located in coding exon 1 of the MLH3 gene, results from a C to A substitution at nucleotide position 2047. The leucine at codon 683 is replaced by isoleucine, an amino acid with highly similar properties. This amino acid position is conserved. In addition, this alteration is predicted to be tolerated by in silico analysis. Since supporting evidence is limited at this time, the clinical significance of this alteration remains unclear.